The following is an entry in ClinVar:

ClinVar aggregate classification (germline): Uncertain significance. Review status: criteria provided, multiple submitters, no conflicts (2 of 4 stars). 2 submissions from 2 submitters: Uncertain significance (2). Last evaluated 2023-10-02.

Conditions:
Geleophysic dysplasia 2 (GPHYSD2). Identifiers: Orphanet 2623, MedGen C3280054, MONDO:0013612, OMIM 614185.
Marfan syndrome (MFS). Also called: MARFAN SYNDROME, TYPE I; Marfan syndrome type 1; Marfan's syndrome; Marfan syndrome, classic; FBN1-Related Marfan Syndrome. Identifiers: Orphanet 284963, Orphanet 558, MedGen C0024796, MONDO:0007947, OMIM 154700.
Ectopia lentis 1, isolated, autosomal dominant (ECTOL1). Identifiers: Orphanet 1885, MedGen C3541518, MONDO:0007514, OMIM 129600.
Stiff skin syndrome (SSKS). Identifiers: Orphanet 2833, MedGen C1861456, MONDO:0008492, OMIM 184900.
Progeroid and marfanoid aspect-lipodystrophy syndrome. Also called: MARFANOID-PROGEROID-LIPODYSTROPHY SYNDROME; MARFANOID-PROGEROID SYNDROME; MARFAN-PROGEROID-LIPODYSTROPHY SYNDROME; Marfan lipodystrophy syndrome. Identifiers: Orphanet 300382, MedGen C4310796, MONDO:0014831, OMIM 616914.
MASS syndrome (OCTD). Also called: MASS PHENOTYPE; OVERLAP CONNECTIVE TISSUE DISEASE. Identifiers: MedGen C1858556, MONDO:0011431, OMIM 604308.
Weill-Marchesani syndrome 2, dominant. Also called: Weill-Marchesani Syndrome, Autosomal Dominant; FBN1-Related Weill-Marchesani Syndrome. Identifiers: Orphanet 2084, MedGen C1869115, MONDO:0012013, OMIM 608328.
Acromicric dysplasia (ACMICD). Also called: Acromicric skeletal dysplasia. Identifiers: Orphanet 969, MedGen C0265287, MONDO:0007055, OMIM 102370.

Submissions (2):

All of Us Research Program, National Institutes of Health
Classification: Uncertain significance for Marfan syndrome. Last evaluated: 2023-10-02. Review status: criteria provided, single submitter. Criteria: ACMG Guidelines, 2015. Collection method: clinical testing. Allele origin: germline. Inheritance: Autosomal dominant inheritance. Observed: 1 variant allele, 1 heterozygote.
Comment: This missense variant replaces arginine with glycine at codon 902 of the FBN1 protein. Computational prediction suggests that this variant may have deleterious impact on protein structure and function (internally defined REVEL score threshold >= 0.7, PMID: 27666373). To our knowledge, functional studies have not been reported for this variant. This variant has not been reported in individuals affected with FBN1-related disorders in the literature. This variant has been identified in 1/251076 chromosomes in the general population by the Genome Aggregation Database (gnomAD). The available evidence is insufficient to determine the role of this variant in disease conclusively. Therefore, this variant is classified as a Variant of Uncertain Significance.

This study involves interpretation of variants in research participants for the purpose of population health screening. Participant phenotype was not available at the time of variant classification. Additional details can be found in publication PMID: 35346344, PMCID: PMC8962531

Department of Pathology and Laboratory Medicine, Sinai Health System
Classification: Uncertain significance for Acromicric dysplasia; Ectopia lentis 1, isolated, autosomal dominant; Marfan syndrome; Stiff skin syndrome; MASS syndrome; Weill-Marchesani syndrome 2, dominant; Geleophysic dysplasia 2; Progeroid and marfanoid aspect-lipodystrophy syndrome. Last evaluated: 2022-09-21. Review status: criteria provided, single submitter. Criteria: ACMG Guidelines, 2015. Collection method: research. Allele origin: germline.

NM_000138.5(FBN1):c.2704A>G (p.Arg902Gly)

Gene: FBN1 (fibrillin 1; minus strand). Cytogenetic location: 15q21.1.
Variant type: single nucleotide variant.
Coding change: c.2704A>G on transcript NM_000138.5 (MANE Select); coding-DNA position 2704, A replaced by G.
Protein change: p.Arg902Gly; replaces arginine 902 with glycine.
Molecular consequence: missense variant.
Genome position (GRCh38, 1-based): chr15:48,494,228, T>C on the plus strand (A>G on the coding strand, the complement: FBN1 is on the minus strand). VCF-style: chr15-48494228-T-C. GRCh37 (hg19) VCF-style: chr15-48786425-T-C.
Other names: c.2704A>G, p.Arg902Gly (NM_001406716.1); short protein forms R902G.
Identifiers: ClinVar variation 3073516 (VCV003073516.2), dbSNP rs1419423251, ClinGen allele CA392331672.